The following is an entry in ClinVar:

ClinVar aggregate classification (germline): Uncertain significance. Review status: criteria provided, multiple submitters, no conflicts (2 of 4 stars). 2 submissions from 2 submitters: Uncertain significance (2). Last evaluated 2023-02-22.

Conditions:
Congenital disorder of glycosylation type 1E (CDG1E). Also called: CONGENITAL DISORDER OF GLYCOSYLATION, TYPE Ie; CDG Ie. Identifiers: Orphanet 79322, MedGen C1837396, MONDO:0012123, OMIM 608799.
Inborn genetic diseases. Identifiers: MedGen C0950123, MeSH D030342.

gnomAD v4.1: 4 of 1,613,580 alleles (0.00025%); highest among the groups gnomAD compares: Non-Finnish European, 0.00025%; no homozygotes.

Submissions (2):

Ambry Genetics
Classification: Uncertain significance for Inborn genetic diseases. Last evaluated: 2023-02-22. Review status: criteria provided, single submitter. Criteria: Ambry Variant Classification Scheme 2023. Collection method: clinical testing. Allele origin: germline.

Labcorp Genetics (formerly Invitae), Labcorp
Classification: Uncertain significance for Congenital disorder of glycosylation type 1E. Last evaluated: 2020-01-27. Review status: criteria provided, single submitter. Criteria: Invitae Variant Classification Sherloc (09022015). Collection method: clinical testing. Allele origin: germline.
Comment: This variant is not present in population databases (ExAC no frequency). This variant has not been reported in the literature in individuals with DPM1-related conditions. Algorithms developed to predict the effect of missense changes on protein structure and function are either unavailable or do not agree on the potential impact of this missense change (SIFT: "Deleterious"; PolyPhen-2: "Benign"; Align-GVGD: "Class C0"). In summary, the available evidence is currently insufficient to determine the role of this variant in disease. Therefore, it has been classified as a Variant of Uncertain Significance. This sequence change replaces alanine with valine at codon 109 of the DPM1 protein (p.Ala109Val). The alanine residue is highly conserved and there is a small physicochemical difference between alanine and valine.

NM_003859.3(DPM1):c.326C>T (p.Ala109Val)

Gene: DPM1 (dolichyl-phosphate mannosyltransferase subunit 1, catalytic; minus strand). Cytogenetic location: 20q13.13.
Variant type: single nucleotide variant.
Coding change: c.326C>T on transcript NM_003859.3 (MANE Select); coding-DNA position 326, C replaced by T.
Protein change: p.Ala109Val; replaces alanine 109 with valine.
Molecular consequence: missense variant. On other transcripts: non-coding transcript variant (1).
Genome position (GRCh38, 1-based): chr20:50,945,893, G>A on the plus strand (C>T on the coding strand, the complement: DPM1 is on the minus strand). VCF-style: chr20-50945893-G-A. GRCh37 (hg19) VCF-style: chr20-49562430-G-A.
Other names: c.326C>T, p.Ala109Val (NM_001317034.1, NM_001317035.1, NM_001317036.1); c.326C>T (NM_003859.1); short protein forms A109V.
Identifiers: ClinVar variation 1042957 (VCV001042957.10), dbSNP rs1986256273, ClinGen allele CA408989738.